The following is an entry in ClinVar:

NM_000834.5(GRIN2B):c.187T>C (p.Ser63Pro)

Gene: GRIN2B (glutamate ionotropic receptor NMDA type subunit 2B; minus strand). Cytogenetic location: 12p13.1.
Variant type: single nucleotide variant.
Coding change: c.187T>C on transcript NM_000834.5 (MANE Select); coding-DNA position 187, T replaced by C.
Protein change: p.Ser63Pro; replaces serine 63 with proline.
Molecular consequence: missense variant.
Genome position (GRCh38, 1-based): chr12:13,866,022, A>G on the plus strand (T>C on the coding strand, the complement: GRIN2B is on the minus strand). VCF-style: chr12-13866022-A-G. GRCh37 (hg19) VCF-style: chr12-14018956-A-G.
Other names: short protein forms S63P.
Identifiers: ClinVar variation 1490159 (VCV001490159.5), dbSNP rs2136747223, ClinGen allele CA384054566.

ClinVar aggregate classification (germline): Uncertain significance (1 of 4 stars; one submission).

Conditions:
Intellectual developmental disorder, autosomal dominant 6, with or without seizures. Also called: Intellectual disability, autosomal dominant 6; GRIN2B-related developmental delay, intellectual disability and autism spectrum disorder. Identifiers: Orphanet 589547, MedGen C3151411, MONDO:0013509, OMIM 613970.
Developmental and epileptic encephalopathy, 27 (DEE27). Also called: Epileptic encephalopathy, early infantile, 27; GRIN2B-Related Neurodevelopmental Disorder. Identifiers: Orphanet 3451, MedGen C4015316, MONDO:0014505, OMIM 616139.

Submission:

Labcorp Genetics (formerly Invitae), Labcorp
Classification: Uncertain significance for Developmental and epileptic encephalopathy, 27; Intellectual developmental disorder, autosomal dominant 6, with or without seizures. Last evaluated: 2021-08-27. Review status: criteria provided, single submitter. Criteria: Invitae Variant Classification Sherloc (09022015). Collection method: clinical testing. Allele origin: germline.
Comment: This sequence change replaces serine with proline at codon 63 of the GRIN2B protein (p.Ser63Pro). The serine residue is moderately conserved and there is a moderate physicochemical difference between serine and proline. This variant is not present in population databases (ExAC no frequency). This variant has not been reported in the literature in individuals affected with GRIN2B-related conditions. Advanced modeling of protein sequence and biophysical properties (such as structural, functional, and spatial information, amino acid conservation, physicochemical variation, residue mobility, and thermodynamic stability) performed at Invitae indicates that this missense variant is not expected to disrupt GRIN2B protein function. In summary, the available evidence is currently insufficient to determine the role of this variant in disease. Therefore, it has been classified as a Variant of Uncertain Significance.